The following is an entry in ClinVar:

NM_000051.4(ATM):c.8181C>T (p.Val2727=)

Genes: ATM (ATM serine/threonine kinase; plus strand), C11orf65 (chromosome 11 open reading frame 65; minus strand). Cytogenetic location: 11q22.3.
Variant type: single nucleotide variant.
Coding change: c.8181C>T on transcript NM_000051.4 (MANE Select); coding-DNA position 8181, C replaced by T.
Protein change: p.Val2727=; no amino-acid change (valine 2727 retained).
Molecular consequence: synonymous variant. On other transcripts: intron variant (2).
Genome position (GRCh38, 1-based): chr11:108,335,874, C>T. VCF-style: chr11-108335874-C-T. GRCh37 (hg19) VCF-style: chr11-108206601-C-T.
Other names: c.8181C>T, p.Val2727= (NM_001351834.2); c.641-26803G>A (NM_001330368.2); c.695-582G>A (NM_001351110.2).
Identifiers: ClinVar variation 1113341 (VCV001113341.12), dbSNP rs2136693653, ClinGen allele CA476678124.

ClinVar aggregate classification (germline): Benign/Likely benign. Review status: criteria provided, multiple submitters, no conflicts (2 of 4 stars). 3 submissions from 3 submitters: Benign (1); Likely benign (2). Last evaluated 2026-01-26.

Conditions:
Ataxia-telangiectasia syndrome (AT). Also called: Ataxia telangiectasia (A-T); ATAXIA-TELANGIECTASIA, COMPLEMENTATION GROUP A; ATAXIA-TELANGIECTASIA, FRESNO VARIANT; Ataxia-telangiectasia; Ataxia-telangiectasia, complementation group E; LOUIS-BAR SYNDROME. Identifiers: Orphanet 100, MedGen C0004135, MONDO:0008840, OMIM 208900.
Hereditary cancer-predisposing syndrome. Also called: Neoplastic Syndromes, Hereditary; Tumor predisposition; Hereditary Cancer Syndrome; Hereditary neoplastic syndrome. Identifiers: Orphanet 140162, MedGen C0027672, MeSH D009386, MONDO:0015356.
Familial cancer of breast. Also called: Hereditary breast cancer; hereditary breast carcinoma; BREAST CANCER, FAMILIAL. Identifiers: Orphanet 227535, MedGen C0346153, MONDO:0016419, OMIM 114480. Disease mechanism: loss of function.

Submissions (3):

Labcorp Genetics (formerly Invitae), Labcorp
Classification: Likely benign for Ataxia-telangiectasia syndrome. Last evaluated: 2026-01-26. Review status: criteria provided, single submitter. Criteria: Invitae Variant Classification Sherloc (09022015). Collection method: clinical testing. Allele origin: germline.

Myriad Genetics, Inc.
Classification: Benign for Familial cancer of breast. Last evaluated: 2024-06-18. Review status: criteria provided, single submitter. Criteria: Myriad Autosomal Dominant, Autosomal Recessive and X-Linked Classification Criteria (2023). Collection method: clinical testing. Allele origin: unknown.
Comment: This variant is considered benign. This variant is a silent/synonymous amino acid change and it is not expected to impact splicing.

Ambry Genetics
Classification: Likely benign for Hereditary cancer-predisposing syndrome. Last evaluated: 2021-10-10. Review status: criteria provided, single submitter. Criteria: Ambry Variant Classification Scheme 2023. Collection method: clinical testing. Allele origin: germline.